The following is an entry in ClinVar:

ClinVar aggregate classification (germline): Uncertain significance (1 of 4 stars; one submission).

Conditions:
Fanconi anemia (FA). Also called: Fanconi's anemia. Identifiers: Orphanet 84, MedGen C0015625, MeSH D005199, MONDO:0019391.

gnomAD v4.1: 3 of 1,568,842 alleles (0.00019%); highest among the groups gnomAD compares: Non-Finnish European, 0.00026%; no homozygotes.

Submission:

Labcorp Genetics (formerly Invitae), Labcorp
Classification: Uncertain significance for Fanconi anemia. Last evaluated: 2023-05-08. Review status: criteria provided, single submitter. Criteria: Invitae Variant Classification Sherloc (09022015). Collection method: clinical testing. Allele origin: germline.
Comment: Algorithms developed to predict the effect of sequence changes on RNA splicing suggest that this variant may create or strengthen a splice site. In summary, the available evidence is currently insufficient to determine the role of this variant in disease. Therefore, it has been classified as a Variant of Uncertain Significance. This variant has not been reported in the literature in individuals affected with FANCA-related conditions. This variant is not present in population databases (gnomAD no frequency). This sequence change falls in intron 24 of the FANCA gene. It does not directly change the encoded amino acid sequence of the FANCA protein.

NM_000135.4(FANCA):c.2223-4G>T

Gene: FANCA (FA complementation group A; minus strand). Cytogenetic location: 16q24.3.
Variant type: single nucleotide variant.
Coding change: c.2223-4G>T on transcript NM_000135.4 (MANE Select); 4 bases into the intron before coding-DNA position 2223, G replaced by T.
Molecular consequence: intron variant.
Genome position (GRCh38, 1-based): chr16:89,770,263, C>A on the plus strand (G>T on the coding strand, the complement: FANCA is on the minus strand). VCF-style: chr16-89770263-C-A. GRCh37 (hg19) VCF-style: chr16-89836671-C-A.
Other names: c.2223-4G>T (NM_001286167.3).
Identifiers: ClinVar variation 2703735 (VCV002703735.3), dbSNP rs2544197626, ClinGen allele CA2635033073.